The following is an entry in ClinVar:

ClinVar aggregate classification (germline): Uncertain significance (1 of 4 stars; one submission).

Submission:

Labcorp Genetics (formerly Invitae), Labcorp
Classification: Uncertain significance. Last evaluated: 2024-04-29. Review status: criteria provided, single submitter. Criteria: Invitae Variant Classification Sherloc (09022015). Collection method: clinical testing. Allele origin: germline.
Comment: This sequence change replaces leucine, which is neutral and non-polar, with valine, which is neutral and non-polar, at codon 232 of the THPO protein (p.Leu232Val). This variant is not present in population databases (gnomAD no frequency). This variant has not been reported in the literature in individuals affected with THPO-related conditions. Advanced modeling of protein sequence and biophysical properties (such as structural, functional, and spatial information, amino acid conservation, physicochemical variation, residue mobility, and thermodynamic stability) performed at Invitae indicates that this missense variant is not expected to disrupt THPO protein function with a negative predictive value of 80%. In summary, the available evidence is currently insufficient to determine the role of this variant in disease. Therefore, it has been classified as a Variant of Uncertain Significance.

NM_000460.4(THPO):c.694C>G (p.Leu232Val)

Gene: THPO (thrombopoietin; minus strand). Cytogenetic location: 3q27.1.
Variant type: single nucleotide variant.
Coding change: c.694C>G on transcript NM_000460.4 (MANE Select); coding-DNA position 694, C replaced by G.
Protein change: p.Leu232Val; replaces leucine 232 with valine.
Molecular consequence: missense variant.
Genome position (GRCh38, 1-based): chr3:184,372,881, G>C on the plus strand (C>G on the coding strand, the complement: THPO is on the minus strand). VCF-style: chr3-184372881-G-C. GRCh37 (hg19) VCF-style: chr3-184090669-G-C.
Other names: c.677C>G, p.Ser226Cys (NM_001177598.2, NM_001290026.1); c.578C>G, p.Ser193Cys (NM_001289997.1, NM_001290027.1); c.694C>G, p.Leu232Val (NM_001289998.1, NM_001290028.1); c.1114C>G, p.Leu372Val (NM_001290003.1); c.682C>G, p.Leu228Val (NM_001290022.1, NM_001177597.2); short protein forms L228V, L232V, S226C, S193C, L372V.
Identifiers: ClinVar variation 3651588 (VCV003651588.2).